The following is an entry in ClinVar:

NM_021072.4(HCN1):c.1742G>A (p.Arg581Lys)

Gene: HCN1 (hyperpolarization activated cyclic nucleotide gated potassium channel 1; minus strand). Cytogenetic location: 5p12.
Variant type: single nucleotide variant.
Coding change: c.1742G>A on transcript NM_021072.4 (MANE Select); coding-DNA position 1742, G replaced by A.
Protein change: p.Arg581Lys; replaces arginine 581 with lysine.
Molecular consequence: missense variant.
Genome position (GRCh38, 1-based): chr5:45,267,130, C>T on the plus strand (G>A on the coding strand, the complement: HCN1 is on the minus strand). VCF-style: chr5-45267130-C-T. GRCh37 (hg19) VCF-style: chr5-45267232-C-T.
Other names: short protein forms R581K.
Identifiers: ClinVar variation 2998095 (VCV002998095.3), dbSNP rs1248907862, ClinGen allele CA359705741.

ClinVar aggregate classification (germline): Uncertain significance (1 of 4 stars; one submission).

Conditions:
Early-infantile DEE. Also called: Early infantile epileptic encephalopathy with suppression bursts; Ohtahara syndrome; Early infantile epileptic encephalopathy. Identifiers: Orphanet 1934, MedGen C0393706, MONDO:0800491.

Allele frequency attached by ClinVar (database versions not stated): gnomAD 0.00001.
gnomAD v4.1: 5 of 1,613,836 alleles (0.00031%); highest among the groups gnomAD compares: African/African-American, 0.0027%; no homozygotes.

Submission:

Labcorp Genetics (formerly Invitae), Labcorp
Classification: Uncertain significance for Early-infantile DEE. Last evaluated: 2023-07-30. Review status: criteria provided, single submitter. Criteria: Invitae Variant Classification Sherloc (09022015). Collection method: clinical testing. Allele origin: germline.
Comment: This variant has not been reported in the literature in individuals affected with HCN1-related conditions. This variant is present in population databases (no rsID available, gnomAD 0.007%). This sequence change replaces arginine, which is basic and polar, with lysine, which is basic and polar, at codon 581 of the HCN1 protein (p.Arg581Lys). Advanced modeling of protein sequence and biophysical properties (such as structural, functional, and spatial information, amino acid conservation, physicochemical variation, residue mobility, and thermodynamic stability) performed at Invitae indicates that this missense variant is not expected to disrupt HCN1 protein function. In summary, the available evidence is currently insufficient to determine the role of this variant in disease. Therefore, it has been classified as a Variant of Uncertain Significance.